The following is an entry in ClinVar:

ClinVar aggregate classification (germline): Uncertain significance. Review status: criteria provided, multiple submitters, no conflicts (2 of 4 stars). 2 submissions from 2 submitters: Uncertain significance (2). Last evaluated 2022-03-31.

Conditions:
Congenital myasthenic syndrome 9. Also called: Myasthenic syndrome, congenital, 9, associated with acetylcholine receptor deficiency. Identifiers: Orphanet 590, MedGen C4225368, MONDO:0014587, OMIM 616325.
Fetal akinesia deformation sequence 1 (FADS1). Also called: Pena-Shokeir syndrome type I; Fetal akinesia sequence. Identifiers: Orphanet 994, MedGen C1276035, MONDO:0100101, OMIM 208150, HP:0001989.

Allele frequency attached by ClinVar (database versions not stated): gnomAD exomes 0.00001.
gnomAD v4.1: 15 of 1,613,556 alleles (0.00093%); highest among the groups gnomAD compares: Non-Finnish European, 0.0012%; no homozygotes.

Submissions (2):

Labcorp Genetics (formerly Invitae), Labcorp
Classification: Uncertain significance for Congenital myasthenic syndrome 9; Fetal akinesia deformation sequence 1. Last evaluated: 2022-03-31. Review status: criteria provided, single submitter. Criteria: Invitae Variant Classification Sherloc (09022015). Collection method: clinical testing. Allele origin: germline.
Comment: This sequence change replaces leucine, which is neutral and non-polar, with histidine, which is basic and polar, at codon 697 of the MUSK protein (p.Leu697His). This variant is not present in population databases (gnomAD no frequency). This variant has not been reported in the literature in individuals affected with MUSK-related conditions. Advanced modeling of protein sequence and biophysical properties (such as structural, functional, and spatial information, amino acid conservation, physicochemical variation, residue mobility, and thermodynamic stability) performed at Invitae indicates that this missense variant is expected to disrupt MUSK protein function. In summary, the available evidence is currently insufficient to determine the role of this variant in disease. Therefore, it has been classified as a Variant of Uncertain Significance.

Revvity Omics, Revvity
Classification: Uncertain significance. Last evaluated: 2019-12-26. Review status: criteria provided, single submitter. Criteria: ACMG Guidelines, 2015. Collection method: clinical testing. Allele origin: germline.

NM_005592.4(MUSK):c.2090T>A (p.Leu697His)

Gene: MUSK (muscle associated receptor tyrosine kinase; plus strand). Cytogenetic location: 9q31.3.
Variant type: single nucleotide variant.
Coding change: c.2090T>A on transcript NM_005592.4 (MANE Select); coding-DNA position 2090, T replaced by A.
Protein change: p.Leu697His; replaces leucine 697 with histidine.
Molecular consequence: missense variant.
Genome position (GRCh38, 1-based): chr9:110,800,468, T>A. VCF-style: chr9-110800468-T-A. GRCh37 (hg19) VCF-style: chr9-113562748-T-A.
Other names: c.2090T>A (NM_005592.3); c.1832T>A, p.Leu611His (NM_001166280.2); c.1802T>A, p.Leu601His (NM_001166281.2); c.830T>A, p.Leu277His (NM_001369398.1); short protein forms L601H, L697H, L277H, L611H.
Identifiers: ClinVar variation 1907867 (VCV001907867.5), dbSNP rs2132066396, ClinGen allele CA374478031.
Genomic context (GRCh38, chr9:110,800,468, plus strand): 5'-GCCTCAGTCACAGTGACTTGTCTATGAGGGCTCAGGTCTCCAGCCCTGGGCCCCCACCCC[T>A]CTCCTGTGCTGAGCAGCTTTGCATTGCCAGGCAGGTGGCAGCTGGCATGGCTTACCTCTC-3'
Protein context (NP_005583.1, residues 687-707): AQVSSPGPPP[Leu697His]SCAEQLCIAR